The following is an entry in ClinVar:

ClinVar aggregate classification (germline): Pathogenic/Likely pathogenic. Review status: criteria provided, multiple submitters, no conflicts (2 of 4 stars). 3 submissions from 3 submitters: Pathogenic (1); Likely pathogenic (1). 1 of the submissions does not count toward it. Last evaluated 2025-08-29.

Conditions:
Alkaptonuria (AKU). Also called: Alcaptonuria; HOMOGENTISIC ACID OXIDASE DEFICIENCY; Homogentisic acidura; Alkaptonuric ochronosis. Identifiers: Orphanet 56, MedGen C0002066, MONDO:0008753, OMIM 203500.

Allele frequency attached by ClinVar (database versions not stated): gnomAD exomes below 0.00001.
gnomAD v4.1: 6 of 1,609,634 alleles (0.00037%); highest among the groups gnomAD compares: South Asian, 0.0011%; no homozygotes.

Submissions (3):

Women's Health and Genetics/Laboratory Corporation of America, LabCorp
Classification: Likely pathogenic for Alkaptonuria. Last evaluated: 2025-08-29. Review status: criteria provided, single submitter. Criteria: LabCorp Variant Classification Summary - May 2015. Collection method: clinical testing. Allele origin: germline.
Comment: Variant summary: HGD c.342+3A>C alters a conserved nucleotide located close to a canonical splice site and therefore could affect mRNA splicing, leading to a significantly altered protein sequence. Several computational tools predict a significant impact on normal splicing: Three predict the variant abolishes a 5' splicing donor site. However, these predictions have yet to be confirmed by functional studies. The variant allele was found at a frequency of 1.2e-05 in 250878 control chromosomes. c.342+3A>C has been observed in individuals affected with Alkaptonuria (e.g. Li_2015, Cho_2018). These data indicate that the variant may be associated with disease. To our knowledge, no experimental evidence demonstrating an impact on protein function has been reported. The following publications have been ascertained in the context of this evaluation (PMID: 25153563, Cho_JGenMed_2018). ClinVar contains an entry for this variant (Variation ID: 2503901). Based on the evidence outlined above, the variant was classified as likely pathogenic.

Labcorp Genetics (formerly Invitae), Labcorp
Classification: Pathogenic for Alkaptonuria. Last evaluated: 2023-12-12. Review status: criteria provided, single submitter. Criteria: Invitae Variant Classification Sherloc (09022015). Collection method: clinical testing. Allele origin: germline.
Comment: This sequence change falls in intron 5 of the HGD gene. It does not directly change the encoded amino acid sequence of the HGD protein. It affects a nucleotide within the consensus splice site. This variant is present in population databases (no rsID available, gnomAD 0.003%). This variant has been observed in individual(s) with alkoptonuria (PMID: 25153563; Cho. 2018. Journal of Genetic Medicine. Vol 15). In at least one individual the data is consistent with being in trans (on the opposite chromosome) from a pathogenic variant. This variant is also known as IVS5+3 A>C. ClinVar contains an entry for this variant (Variation ID: 2503901). Variants that disrupt the consensus splice site are a relatively common cause of aberrant splicing (PMID: 17576681, 9536098). Algorithms developed to predict the effect of sequence changes on RNA splicing suggest that this variant may disrupt the consensus splice site. For these reasons, this variant has been classified as Pathogenic.

Department Of Human Genetics, Institute Of Clinical And Translational Research, Biomedical Research Center, Slovak Academy Of Sciences
Classification: Pathogenic for Alkaptonuria. Review status: no assertion criteria provided. Collection method: research. Allele origin: germline. Inheritance: Autosomal recessive inheritance. Affected: yes. Observed: 4 variant alleles. Not counted in ClinVar's aggregate classification.
Comment: The variant was originally described in PMID:25153563. It has been submitted to the HGD gene mutation database (DB-ID: AKU_00166).

Literature cited by the submitters: PubMed 25153563 (cited by 3 submitters); PubMed 2018 (cited by Labcorp Genetics (formerly Invitae), Labcorp); PubMed 15 (cited by Labcorp Genetics (formerly Invitae), Labcorp); PubMed 17576681 (cited by Labcorp Genetics (formerly Invitae), Labcorp); PubMed 9536098 (cited by Labcorp Genetics (formerly Invitae), Labcorp).

NM_000187.4(HGD):c.342+3A>C

Gene: HGD (homogentisate 1,2-dioxygenase; minus strand). Cytogenetic location: 3q13.33.
Variant type: single nucleotide variant.
Coding change: c.342+3A>C on transcript NM_000187.4 (MANE Select); 3 bases into the intron after coding-DNA position 342, A replaced by C.
Molecular consequence: intron variant.
Genome position (GRCh38, 1-based): chr3:120,652,589, T>G on the plus strand (A>C on the coding strand, the complement: HGD is on the minus strand). VCF-style: chr3-120652589-T-G. GRCh37 (hg19) VCF-style: chr3-120371436-T-G.
Other names: c.342+3A>C (NM_000187.3).
Identifiers: ClinVar variation 2503901 (VCV002503901.8), dbSNP rs1182670238, ClinGen allele CA545609670.